The following is an entry in ClinVar:

ClinVar aggregate classification (germline): Uncertain significance (1 of 4 stars; one submission).

Allele frequency attached by ClinVar (database versions not stated): gnomAD 0.00001; ExAC 0.00002; TOPMed 0.00003.
gnomAD v4.1: 34 of 1,613,222 alleles (0.0021%); highest among the groups gnomAD compares: Admixed American, 0.0083%; no homozygotes.

Submission:

Labcorp Genetics (formerly Invitae), Labcorp
Classification: Uncertain significance. Last evaluated: 2026-02-01. Review status: criteria provided, single submitter. Criteria: Invitae Variant Classification Sherloc (09022015). Collection method: clinical testing. Allele origin: germline.
Comment: This sequence change replaces asparagine, which is neutral and polar, with serine, which is neutral and polar, at codon 203 of the ERCC2 protein (p.Asn203Ser). This variant is present in population databases (rs771182769, gnomAD 0.006%). This variant has not been reported in the literature in individuals affected with ERCC2-related conditions. ClinVar contains an entry for this variant (Variation ID: 2179274). Invitae Evidence Modeling of protein sequence and biophysical properties (such as structural, functional, and spatial information, amino acid conservation, physicochemical variation, residue mobility, and thermodynamic stability) indicates that this missense variant is not expected to disrupt ERCC2 protein function with a negative predictive value of 80%. In summary, the available evidence is currently insufficient to determine the role of this variant in disease. Therefore, it has been classified as a Variant of Uncertain Significance.

NM_000400.4(ERCC2):c.608A>G (p.Asn203Ser)

Gene: ERCC2 (ERCC excision repair 2, TFIIH core complex helicase subunit; minus strand). Cytogenetic location: 19q13.32.
Variant type: single nucleotide variant.
Coding change: c.608A>G on transcript NM_000400.4 (MANE Select); coding-DNA position 608, A replaced by G.
Protein change: p.Asn203Ser; replaces asparagine 203 with serine.
Molecular consequence: missense variant.
Genome position (GRCh38, 1-based): chr19:45,364,534, T>C on the plus strand (A>G on the coding strand, the complement: ERCC2 is on the minus strand). VCF-style: chr19-45364534-T-C. GRCh37 (hg19) VCF-style: chr19-45867792-T-C.
Other names: c.536A>G, p.Asn179Ser (NM_001130867.2); short protein forms N179S, N203S.
Identifiers: ClinVar variation 2179274 (VCV002179274.4), dbSNP rs771182769, ClinGen allele CA9513700.